The following is an entry in ClinVar:

ClinVar aggregate classification (germline): Uncertain significance (1 of 4 stars; one submission).

Allele frequency attached by ClinVar (database versions not stated): TOPMed 0.00001; ExAC 0.00002; gnomAD exomes 0.00002.
gnomAD v4.1: 41 of 1,613,598 alleles (0.0025%); highest among the groups gnomAD compares: Middle Eastern, 0.05%; 1 homozygote.

Submission:

Labcorp Genetics (formerly Invitae), Labcorp
Classification: Uncertain significance. Last evaluated: 2022-10-05. Review status: criteria provided, single submitter. Criteria: Invitae Variant Classification Sherloc (09022015). Collection method: clinical testing. Allele origin: germline.
Comment: ClinVar contains an entry for this variant (Variation ID: 1355632). This sequence change replaces aspartic acid, which is acidic and polar, with asparagine, which is neutral and polar, at codon 1279 of the MYH7B protein (p.Asp1279Asn). This variant is present in population databases (rs766155653, gnomAD 0.003%). This variant has not been reported in the literature in individuals affected with MYH7B-related conditions. Advanced modeling of protein sequence and biophysical properties (such as structural, functional, and spatial information, amino acid conservation, physicochemical variation, residue mobility, and thermodynamic stability) performed at Invitae indicates that this missense variant is expected to disrupt MYH7B protein function. In summary, the available evidence is currently insufficient to determine the role of this variant in disease. Therefore, it has been classified as a Variant of Uncertain Significance.

NM_020884.7(MYH7B):c.3709G>A (p.Asp1237Asn)

Gene: MYH7B (myosin heavy chain 7B; plus strand). Cytogenetic location: 20q11.22.
Variant type: single nucleotide variant.
Coding change: c.3709G>A on transcript NM_020884.7 (MANE Select); coding-DNA position 3709, G replaced by A.
Protein change: p.Asp1237Asn; replaces aspartic acid 1237 with asparagine.
Molecular consequence: missense variant.
Genome position (GRCh38, 1-based): chr20:34,997,602, G>A. VCF-style: chr20-34997602-G-A. GRCh37 (hg19) VCF-style: chr20-33585405-G-A.
Other names: short protein forms D1237N.
Identifiers: ClinVar variation 1355632 (VCV001355632.8), dbSNP rs766155653, ClinGen allele CA9827818.